The following is an entry in ClinVar:

NM_007194.4(CHEK2):c.320-10_320del

Gene: CHEK2 (checkpoint kinase 2; minus strand). Cytogenetic location: 22q12.1.
Variant type: Deletion.
Coding change: c.320-10_320del on transcript NM_007194.4 (MANE Select); 10 bases into the intron before coding-DNA position 320 through coding-DNA position 320, 11 bases deleted (TATATTACAGA).
Molecular consequence: splice acceptor variant.
Genome position (GRCh38, 1-based): chr22:28,725,367-28,725,377, TCTGTAATATA deleted on the plus strand (TATATTACAGA on the coding strand, the reverse complement: CHEK2 is on the minus strand). VCF-style (leftmost placement, unchanged base first): chr22-28725366-TTCTGTAATATA-T. GRCh37 (hg19) VCF-style: chr22-29121354-TTCTGTAATATA-T.
Other names: c.-344-10_-344del (NM_001437942.1); c.320-10_320del (NM_001349956.3, NM_145862.3); c.-458-10_-458del (NM_001257387.3); c.413-10_413del (NM_001438295.1, NM_001438293.1); c.449-10_449del (NM_001438294.1, NM_001005735.3).
Identifiers: ClinVar variation 4228001 (VCV004228001.1).

ClinVar aggregate classification (germline): Likely pathogenic (1 of 4 stars; one submission).

Conditions:
Hereditary cancer-predisposing syndrome. Also called: Hereditary Cancer Syndrome; Hereditary neoplastic syndrome; Neoplastic Syndromes, Hereditary; Tumor predisposition. Identifiers: Orphanet 140162, MedGen C0027672, MeSH D009386, MONDO:0015356.

Submission:

Ambry Genetics
Classification: Likely pathogenic for Hereditary cancer-predisposing syndrome. Last evaluated: 2025-07-24. Review status: criteria provided, single submitter. Criteria: Ambry Variant Classification Scheme 2023. Collection method: clinical testing. Allele origin: germline.
Comment: The c.320-10_320del11 variant results from a deletion of 11 nucleotides between positions c.320-10 and c.320 and involves the canonical splice acceptor site before coding exon 2 of the CHEK2 gene. This variant is considered to be rare based on population cohorts in the Genome Aggregation Database (gnomAD). The canonical splice acceptor site is highly conserved in available vertebrate species. In silico splice site analysis predicts that this alteration will weaken the native splice acceptor site and may result in the creation or strengthening of a novel splice acceptor site; however, the exact impact of this deletion on CHEK2 splicing and function is currently unknown. Alterations that disrupt the canonical splice site are expected to cause aberrant splicing, resulting in an abnormal protein or a transcript that is subject to nonsense-mediated mRNA decay. As such, this alteration is classified as likely pathogenic.